The following is an entry in ClinVar:

ClinVar aggregate classification (germline): Benign. Review status: criteria provided, multiple submitters, no conflicts (2 of 4 stars). 2 submissions from 2 submitters: Benign (2). Last evaluated 2016-01-28.

Allele frequency attached by ClinVar (database versions not stated): 1000 Genomes Project 0.01877; TOPMed 0.03181; gnomAD 0.03382 and 0.03484; 1000 Genomes Project 30x 0.01921; gnomAD exomes 0.03401 and 0.04324; ExAC 0.03531.

Submissions (3):

GeneDx
Classification: Benign. Last evaluated: 2016-01-28. Review status: criteria provided, single submitter. Criteria: GeneDx Variant Classification (06012015). Collection method: clinical testing. Allele origin: germline. Affected: yes.
Comment: This variant is considered likely benign or benign based on one or more of the following criteria: it is a conservative change, it occurs at a poorly conserved position in the protein, it is predicted to be benign by multiple in silico algorithms, and/or has population frequency not consistent with disease.

Breakthrough Genomics
Classification: Benign. Review status: criteria provided, single submitter. Criteria: ACMG Guidelines, 2015. Collection method: not provided. Allele origin: germline. Inheritance: Autosomal recessive inheritance. Affected: yes.

Seelig Lab, University of Washington
No classification provided (evidence only). Review status: no classification provided. Collection method: in vitro. Allele origin: not applicable. Functional consequence: effect on translation. Not counted in ClinVar's aggregate classification.
ClinVar note: "not provided" was previously submitted as the classification for the variant. However, the classification appeared to be based only on an observation of functional data so it was converted to no classification on 2025-07-30.

NM_015631.5(TCTN3):c.-47T>G

Gene: TCTN3 (tectonic family member 3; minus strand). Cytogenetic location: 10q24.1.
Variant type: single nucleotide variant.
Coding change: c.-47T>G on transcript NM_015631.5; 47 bases upstream of the start codon, T replaced by G.
Genome position (GRCh38, 1-based): chr10:95,693,946, A>C on the plus strand (T>G on the coding strand, the complement: TCTN3 is on the minus strand). VCF-style: chr10-95693946-A-C. GRCh37 (hg19) VCF-style: chr10-97453703-A-C.
Identifiers: ClinVar variation 379441 (VCV000379441.6), dbSNP rs41291572, ClinGen allele CA5621215.